The following is an entry in ClinVar:

ClinVar aggregate classification (germline): Pathogenic/Likely pathogenic. Review status: criteria provided, multiple submitters, no conflicts (2 of 4 stars). 2 submissions from 2 submitters: Pathogenic (1); Likely pathogenic (1). Last evaluated 2025-09-09.

Conditions:
Telangiectasia, hereditary hemorrhagic, type 2 (HHT2). Also called: ACVRL1-Related Hereditary Hemorrhagic Telangiectasia; Telangiectasia, hereditary hemorrhagic, type II. Identifiers: Orphanet 774, MedGen C1838163, MONDO:0010880, OMIM 600376. Disease mechanism: loss of function.

Submissions (2):

Labcorp Genetics (formerly Invitae), Labcorp
Classification: Pathogenic for Telangiectasia, hereditary hemorrhagic, type 2. Last evaluated: 2025-09-09. Review status: criteria provided, single submitter. Criteria: Invitae Variant Classification Sherloc (09022015). Collection method: clinical testing. Allele origin: germline.
Comment: This sequence change replaces threonine, which is neutral and polar, with isoleucine, which is neutral and non-polar, at codon 372 of the ACVRL1 protein (p.Thr372Ile). This variant is not present in population databases (gnomAD no frequency). This missense change has been observed in individual(s) with clinical features of hereditary hemorrhagic telangiectasia (PMID: 16429404, 16542389; internal data). ClinVar contains an entry for this variant (Variation ID: 618513). Invitae Evidence Modeling of protein sequence and biophysical properties (such as structural, functional, and spatial information, amino acid conservation, physicochemical variation, residue mobility, and thermodynamic stability) indicates that this missense variant is expected to disrupt ACVRL1 protein function with a positive predictive value of 95%. For these reasons, this variant has been classified as Pathogenic.

ARUP Laboratories, Molecular Genetics and Genomics, ARUP Laboratories
Classification: Likely pathogenic for Telangiectasia, hereditary hemorrhagic, type 2. Last evaluated: 2025-02-10. Review status: criteria provided, single submitter. Criteria: ARUP Molecular Germline Variant Investigation Process 2024. Collection method: clinical testing. Allele origin: germline.
Comment: The ACVRL1 c.1115C>T; p.Thr372Ile variant (rs1565594920, ClinVar Variation ID: 618513) is reported in the literature in several individuals affected with HHT (Lenato 2006, Wehner 2006) and is reported to co-segregate with disease (Lenato 2006). This variant is absent from the Genome Aggregation Database (v2.1.1), indicating it is not a common polymorphism. Computational analyses predict that this variant is deleterious (REVEL: 0.913). Based on available information, this variant is considered to be likely pathogenic. References: Lenato GM et al. DHPLC-based mutation analysis of ENG and ALK-1 genes in HHT Italian population. Hum Mutat. 2006 Feb;27(2):213-4. PMID: 16429404. Wehner LE et al. Mutation analysis in hereditary haemorrhagic telangiectasia in Germany reveals 11 novel ENG and 12 novel ACVRL1/ALK1 mutations. Clin Genet. 2006 Mar;69(3):239-45. PMID: 16542389.

Literature cited by the submitters: PubMed 16429404 (cited by Labcorp Genetics (formerly Invitae), Labcorp); PubMed 16542389 (cited by Labcorp Genetics (formerly Invitae), Labcorp).

NM_000020.3(ACVRL1):c.1115C>T (p.Thr372Ile)

Gene: ACVRL1 (activin A receptor like type 1; plus strand). Cytogenetic location: 12q13.13.
Variant type: single nucleotide variant.
Coding change: c.1115C>T on transcript NM_000020.3 (MANE Select); coding-DNA position 1115, C replaced by T.
Protein change: p.Thr372Ile; replaces threonine 372 with isoleucine.
Molecular consequence: missense variant.
Genome position (GRCh38, 1-based): chr12:51,916,102, C>T. VCF-style: chr12-51916102-C-T. GRCh37 (hg19) VCF-style: chr12-52309886-C-T.
Other names: c.1115C>T, p.Thr372Ile (NM_001077401.2); short protein forms T372I.
Identifiers: ClinVar variation 618513 (VCV000618513.16), dbSNP rs1565594920, ClinGen allele CA384902371.